The following is an entry in ClinVar:

ClinVar aggregate classification (germline): Benign/Likely benign. Review status: criteria provided, multiple submitters, no conflicts (2 of 4 stars). 4 submissions from 4 submitters: Benign (1); Likely benign (3). Last evaluated 2025-02-14.

Conditions:
Hereditary cancer-predisposing syndrome. Also called: Neoplastic Syndromes, Hereditary; Hereditary neoplastic syndrome; Hereditary Cancer Syndrome; Tumor predisposition. Identifiers: Orphanet 140162, MedGen C0027672, MeSH D009386, MONDO:0015356.
POLD1-related polyposis and colorectal cancer syndrome (CRCS10). Also called: Colorectal cancer, susceptibility to, 10; Colorectal cancer 10; COLORECTAL CANCER, SUSCEPTIBILITY TO, ON CHROMOSOME 19q. Identifiers: Orphanet 220460, MedGen C2675481, MONDO:0012953, OMIM 612591.

Allele frequency attached by ClinVar (database versions not stated): gnomAD exomes below 0.00001.
gnomAD v4.1: 1 of 1,595,224 alleles (0.000063%); highest among the groups gnomAD compares: Non-Finnish European, 0.000085%; no homozygotes.

Submissions (4):

Ambry Genetics
Classification: Likely benign for Hereditary cancer-predisposing syndrome. Last evaluated: 2025-02-14. Review status: criteria provided, single submitter. Criteria: Ambry Variant Classification Scheme 2023. Collection method: clinical testing. Allele origin: germline.

Myriad Genetics, Inc.
Classification: Benign for POLD1-related polyposis and colorectal cancer syndrome. Last evaluated: 2025-02-06. Review status: criteria provided, single submitter. Criteria: Myriad Autosomal Dominant, Autosomal Recessive and X-Linked Classification Criteria (2023). Collection method: clinical testing. Allele origin: unknown.
Comment: This variant is considered benign. This variant is a silent/synonymous amino acid change and it is not expected to impact splicing.

CeGaT Center for Human Genetics Tuebingen
Classification: Likely benign. Last evaluated: 2024-11-01. Review status: criteria provided, single submitter. Criteria: CeGaT Center For Human Genetics Tuebingen Variant Classification Criteria Version 2. Collection method: clinical testing. Allele origin: germline. Affected: yes. Observed: 1 variant allele.
Comment: POLD1: BP4, BP7

Labcorp Genetics (formerly Invitae), Labcorp
Classification: Likely benign for POLD1-related polyposis and colorectal cancer syndrome. Last evaluated: 2024-01-19. Review status: criteria provided, single submitter. Criteria: Invitae Variant Classification Sherloc (09022015). Collection method: clinical testing. Allele origin: germline.

NM_002691.4(POLD1):c.1458G>A (p.Lys486=)

Gene: POLD1 (DNA polymerase delta 1, catalytic subunit; plus strand). Cytogenetic location: 19q13.33.
Variant type: single nucleotide variant.
Coding change: c.1458G>A on transcript NM_002691.4 (MANE Select); coding-DNA position 1458, G replaced by A.
Protein change: p.Lys486=; no amino-acid change (lysine 486 retained).
Molecular consequence: synonymous variant. On other transcripts: non-coding transcript variant (1).
Genome position (GRCh38, 1-based): chr19:50,406,481, G>A. VCF-style: chr19-50406481-G-A. GRCh37 (hg19) VCF-style: chr19-50909738-G-A.
Other names: c.1458G>A (NM_002691.2); c.1458G>A, p.Lys486= (NM_001256849.1, NM_001308632.1).
Identifiers: ClinVar variation 1987755 (VCV001987755.19), dbSNP rs2513995179, ClinGen allele CA508304729.